The following is an entry in ClinVar:

NM_003068.5(SNAI2):c.201C>T (p.Ala67=)

Gene: SNAI2 (snail family transcriptional repressor 2; minus strand). Cytogenetic location: 8q11.21.
Variant type: single nucleotide variant.
Coding change: c.201C>T on transcript NM_003068.5 (MANE Select); coding-DNA position 201, C replaced by T.
Protein change: p.Ala67=; no amino-acid change (alanine 67 retained).
Molecular consequence: synonymous variant.
Genome position (GRCh38, 1-based): chr8:48,920,320, G>A on the plus strand (C>T on the coding strand, the complement: SNAI2 is on the minus strand). VCF-style: chr8-48920320-G-A. GRCh37 (hg19) VCF-style: chr8-49832879-G-A.
Other names: c.201C>T (NM_003068.4).
Identifiers: ClinVar variation 1597237 (VCV001597237.10), dbSNP rs376110241, ClinGen allele CA4743535.

ClinVar aggregate classification (germline): Likely benign. Review status: criteria provided, single submitter (1 of 4 stars). 2 submissions from 2 submitters: Likely benign (1). 1 of the submissions does not count toward it. Last evaluated 2025-06-12.

Conditions:
SNAI2-related disorder. Also called: SNAI2-related condition.

Allele frequency attached by ClinVar (database versions not stated): ExAC 0.00007; ESP Exome Variant Server 0.00015; gnomAD 0.00015 and 0.00016; 1000 Genomes Project 30x 0.00016; 1000 Genomes Project 0.00020; TOPMed 0.00020.

Submissions (2):

Labcorp Genetics (formerly Invitae), Labcorp
Classification: Likely benign. Last evaluated: 2025-06-12. Review status: criteria provided, single submitter. Criteria: Invitae Variant Classification Sherloc (09022015). Collection method: clinical testing. Allele origin: germline.

PreventionGenetics, part of Exact Sciences
Classification: Likely benign for SNAI2-related condition. Last evaluated: 2019-06-17. Review status: no assertion criteria provided. Collection method: clinical testing. Allele origin: germline. Not counted in ClinVar's aggregate classification.
Comment: This variant is classified as likely benign based on ACMG/AMP sequence variant interpretation guidelines (Richards et al. 2015 PMID: 25741868, with internal and published modifications).